The following is an entry in ClinVar:

ClinVar aggregate classification (germline): Pathogenic/Likely pathogenic. Review status: criteria provided, multiple submitters, no conflicts (2 of 4 stars). 2 submissions from 2 submitters: Pathogenic (1); Likely pathogenic (1). Last evaluated 2024-10-28.

Conditions:
Short stature, microcephaly, and endocrine dysfunction (SSMED). Identifiers: Orphanet 436182, MedGen C4225288, MONDO:0014686, OMIM 616541.

Submissions (2):

Labcorp Genetics (formerly Invitae), Labcorp
Classification: Pathogenic. Last evaluated: 2024-10-28. Review status: criteria provided, single submitter. Criteria: Invitae Variant Classification Sherloc (09022015). Collection method: clinical testing. Allele origin: germline.
Comment: This sequence change creates a premature translational stop signal (p.Ser12Leufs*5) in the XRCC4 gene. It is expected to result in an absent or disrupted protein product. Loss-of-function variants in XRCC4 are known to be pathogenic (PMID: 25728776). This variant is present in population databases (no rsID available, gnomAD 0.01%). This variant has not been reported in the literature in individuals affected with XRCC4-related conditions. ClinVar contains an entry for this variant (Variation ID: 2415672). For these reasons, this variant has been classified as Pathogenic.

Fulgent Genetics
Classification: Likely pathogenic for Short stature, microcephaly, and endocrine dysfunction. Last evaluated: 2024-05-11. Review status: criteria provided, single submitter. Criteria: ACMG Guidelines, 2015. Collection method: clinical testing. Allele origin: germline.

Literature cited by the submitters: PubMed 25728776 (cited by Labcorp Genetics (formerly Invitae), Labcorp).

NM_003401.5(XRCC4):c.34del (p.Ser12fs)

Gene: XRCC4 (X-ray repair cross complementing 4; plus strand). Cytogenetic location: 5q14.2.
Variant type: Deletion.
Coding change: c.34del on transcript NM_003401.5 (MANE Select); coding-DNA position 34, one base deleted (T; older notation c.34delT).
Protein change: p.Ser12fs; shifts the reading frame from serine 12.
Molecular consequence: frameshift variant.
Genome position (GRCh38, 1-based): chr5:83,104,953, T deleted; the last of 3 consecutive T bases (chr5:83,104,951-83,104,953); deleting any one gives the same sequence. VCF-style (leftmost placement, unchanged base first): chr5-83104950-GT-G. GRCh37 (hg19) VCF-style: chr5-82400769-GT-G.
Other names: c.34del (NM_022406.4); c.34delT, p.Ser12Leufs (NM_001131022.1); c.34del, p.Ser12fs (NM_001318012.3, NM_001318013.2, NM_022406.5 and 1 more transcripts); short protein forms S12fs.
Identifiers: ClinVar variation 2415672 (VCV002415672.7), dbSNP rs986271387, ClinGen allele CA122002979.